The following is an entry in ClinVar:

ClinVar aggregate classification (germline): Conflicting classifications of pathogenicity. Review status: criteria provided, conflicting classifications (1 of 4 stars). 2 submissions from 2 submitters: Uncertain significance (1); Likely benign (1). Last evaluated 2023-03-23.

Conditions:
Hereditary cancer-predisposing syndrome. Also called: Hereditary neoplastic syndrome; Hereditary Cancer Syndrome; Tumor predisposition; Neoplastic Syndromes, Hereditary. Identifiers: Orphanet 140162, MedGen C0027672, MeSH D009386, MONDO:0015356.

Submissions (2):

University of Washington Department of Laboratory Medicine, University of Washington
Classification: Likely benign for Hereditary cancer-predisposing syndrome. Last evaluated: 2023-03-23. Review status: criteria provided, single submitter. Criteria: Dines et al. (Genet Med. 2020). Collection method: curation. Allele origin: germline.
Comment: Missense variant in a coldspot region where missense variants are very unlikely to be pathogenic (PMID:31911673).

BRCA2 exon 11 coldspot. Reclassification based on statistical prior probability.

Quest Diagnostics Nichols Institute San Juan Capistrano
Classification: Uncertain significance. Last evaluated: 2019-07-05. Review status: criteria provided, single submitter. Criteria: Quest Diagnostics criteria. Collection method: clinical testing. Allele origin: germline.

Literature cited by the submitters: PubMed 23929434 (cited by Quest Diagnostics Nichols Institute San Juan Capistrano).

NM_000059.4(BRCA2):c.2777C>T (p.Thr926Ile)

Gene: BRCA2 (BRCA2 DNA repair associated; plus strand). Cytogenetic location: 13q13.1.
Variant type: single nucleotide variant.
Coding change: c.2777C>T on transcript NM_000059.4 (MANE Select); coding-DNA position 2777, C replaced by T.
Protein change: p.Thr926Ile; replaces threonine 926 with isoleucine.
Molecular consequence: missense variant.
Genome position (GRCh38, 1-based): chr13:32,337,132, C>T. VCF-style: chr13-32337132-C-T. GRCh37 (hg19) VCF-style: chr13-32911269-C-T.
Other names: short protein forms T926I.
Identifiers: ClinVar variation 438961 (VCV000438961.6), dbSNP rs1555282841, ClinGen allele CA387773698.